The following is an entry in ClinVar:

GRCh38/hg38 16q24.3(chr16:89185680-89372115)x1

Genes: ANKRD11 (ankyrin repeat domain 11; minus strand), ANKRD11-AS2 (ANKRD11 antisense RNA 2; plus strand), ANKRD11-AS3 (ANKRD11 antisense RNA 3; plus strand), CDH15 (cadherin 15; plus strand), SLC22A31 (solute carrier family 22 member 31; minus strand) and 21 more. Cytogenetic location: 16q24.3.
Variant type: copy number loss.
Change: copy number 1 (one copy instead of two) of chr16:89,185,680-89,372,115 (186.4 kb, GRCh38 coordinates, 1-based), cytogenetic band 16q24.3.
Identifiers: ClinVar variation 4886758 (VCV004886758.1).

ClinVar aggregate classification (germline): Pathogenic (1 of 4 stars; one submission).

Conditions:
KBG syndrome (KBGS). Also called: ANKRD11-Related KBG Syndrome. Identifiers: Orphanet 2332, MedGen C0220687, MONDO:0007846, OMIM 148050.

Submission:

Umrani?ye Training and Research Hospital
Classification: Pathogenic for KBG syndrome. Last evaluated: 2026-07-05. Review status: criteria provided, single submitter. Criteria: ACMG/ClinGen CNV Guidelines, 2019. Collection method: clinical testing. Allele origin: paternal, germline. Inheritance: Autosomal dominant inheritance. Affected: yes. Observed: 2 variant alleles.
Comment: Multi-exon deletion removing ANKRD11 exons 3-13 including the large coding exon 9; loss of function (PVS1).

Literature cited by the submitters: PubMed 42808190.